The following is an entry in ClinVar:

ClinVar aggregate classification (germline): Conflicting classifications of pathogenicity. Review status: criteria provided, conflicting classifications (1 of 4 stars). 5 submissions from 5 submitters: Uncertain significance (3); Likely benign (1). 1 of the submissions does not count toward it. Last evaluated 2026-04-14.

Conditions:
ABCB11-related disorder. Also called: ABCB11-related condition.
Familial intrahepatic cholestasis. Identifiers: Orphanet 284385, MedGen CN296401, MONDO:0017290.
Progressive familial intrahepatic cholestasis type 2. Identifiers: Orphanet 79304, MedGen C3489789, MONDO:0011156, OMIM 601847.

Allele frequency attached by ClinVar (database versions not stated): gnomAD 0.00001 and 0.00007; gnomAD exomes 0.00007 and 0.00014; TOPMed below 0.00001; ExAC 0.00016; 1000 Genomes Project 30x 0.00031; 1000 Genomes Project 0.00040.
gnomAD v4.1: 115 of 1,613,782 alleles (0.0071%); highest among the groups gnomAD compares: South Asian, 0.12%; 3 homozygotes.

Submissions (5):

Genomenon, Inc
Classification: Uncertain significance for Familial intrahepatic cholestasis. Last evaluated: 2026-04-14. Review status: criteria provided, single submitter. Criteria: Genomenon Sequence Variant Interpretation Standards - Updated. Collection method: curation. Allele origin: germline. Affected: yes.
Comment: ABCB11 p.Ser1321Asn (c.3962G>A) is a missense variant that changes the amino acid at residue 1321 from Serine to Asparagine. This variant has been observed in at least one proband with an ABCB11-related disorder (PMID:28733223). In conclusion, we classify ABCB11 p.Ser1321Asn (c.3962G>A) as a variant of uncertain significance.

Labcorp Genetics (formerly Invitae), Labcorp
Classification: Likely benign. Last evaluated: 2024-03-11. Review status: criteria provided, single submitter. Criteria: Invitae Variant Classification Sherloc (09022015). Collection method: clinical testing. Allele origin: germline.

GeneDx
Classification: Uncertain significance. Last evaluated: 2022-03-30. Review status: criteria provided, single submitter. Criteria: GeneDx Variant Classification Process June 2021. Collection method: clinical testing. Allele origin: germline. Affected: yes.
Comment: In silico analysis supports that this missense variant does not alter protein structure/function; Has not been previously published as pathogenic or benign to our knowledge; This variant is associated with the following publications: (PMID: 28733223)

Dubai Health Genomic Medicine Center, Dubai Health
Classification: Uncertain significance for Progressive familial intrahepatic cholestasis type 2. Last evaluated: 2020-04-21. Review status: criteria provided, single submitter. Criteria: ACMG Guidelines, 2015. Collection method: clinical testing. Allele origin: germline. Affected: yes.
Comment: The p.Ser1321Asn missense variant in ABCB11 has not been previously reported in affected individuals but was identified in 0.12% (36/30600 0 homozygotes) South Asian alleles in the Genome Aggregation Database (gnomAD). This allele frequency is relatively high but might still be consistent with a recessive mode of inheritance. Computational prediction tools and conservation analysis suggest an impact to protein function though this information is not predictive enough to confirm pathogenicity. In summary more information is needed to determine the clinical significance of this variant however based on allele frequency information this variant is more likely to be benign.

PreventionGenetics, part of Exact Sciences
Classification: Uncertain significance for ABCB11-related condition. Last evaluated: 2024-01-09. Review status: no assertion criteria provided. Collection method: clinical testing. Allele origin: germline. Not counted in ClinVar's aggregate classification.
Comment: The ABCB11 c.3962G>A variant is predicted to result in the amino acid substitution p.Ser1321Asn. This variant was reported in the heterozygous state in an individual with progressive familial intrahepatic cholestasis (Table S2, Dröge et al. 2017. PubMed ID: 28733223). This variant is reported in 0.12% of alleles in individuals of South Asian descent in gnomAD. Although we suspect that this variant may be benign, at this time, the clinical significance of this variant is uncertain due to the absence of conclusive functional and genetic evidence.

Literature cited by the submitters: PubMed 28733223 (cited by Genomenon, Inc).

NM_003742.4(ABCB11):c.3962G>A (p.Ser1321Asn)

Gene: ABCB11 (ATP binding cassette subfamily B member 11; minus strand). Cytogenetic location: 2q31.1.
Variant type: single nucleotide variant.
Coding change: c.3962G>A on transcript NM_003742.4 (MANE Select); coding-DNA position 3962, G replaced by A.
Protein change: p.Ser1321Asn; replaces serine 1321 with asparagine.
Molecular consequence: missense variant.
Genome position (GRCh38, 1-based): chr2:168,923,626, C>T on the plus strand (G>A on the coding strand, the complement: ABCB11 is on the minus strand). VCF-style: chr2-168923626-C-T. GRCh37 (hg19) VCF-style: chr2-169780136-C-T.
Other names: short protein forms S1321N.
Identifiers: ClinVar variation 1131495 (VCV001131495.15), dbSNP rs201693189, ClinGen allele CA1950893.